The following is an entry in ClinVar:

ClinVar aggregate classification (germline): Pathogenic/Likely pathogenic. Review status: criteria provided, multiple submitters, no conflicts (2 of 4 stars). 9 submissions from 9 submitters: Pathogenic (5); Likely pathogenic (2). 2 of the submissions do not count toward it. Last evaluated 2025-12-22.

Conditions:
Maple syrup urine disease type 1A (MSUD1A). Also called: MSUD type 1A. Identifiers: MedGen C1855369, MONDO:0023691, OMIM 248600.
Maple syrup urine disease (MSUD). Identifiers: Orphanet 511, MedGen C0024776, MeSH D008375, MONDO:0009563. Disease mechanism: loss of function.

Allele frequency attached by ClinVar (database versions not stated): gnomAD exomes 0.00003; gnomAD 0.00001; TOPMed 0.00002.
gnomAD v4.1: 65 of 1,613,374 alleles (0.004%); highest among the groups gnomAD compares: Admixed American, 0.005%; no homozygotes.

Submissions (9):

Labcorp Genetics (formerly Invitae), Labcorp
Classification: Pathogenic for Maple syrup urine disease. Last evaluated: 2025-12-22. Review status: criteria provided, single submitter. Criteria: Invitae Variant Classification Sherloc (09022015). Collection method: clinical testing. Allele origin: germline.
Comment: This sequence change replaces glutamic acid, which is acidic and polar, with lysine, which is basic and polar, at codon 327 of the BCKDHA protein (p.Glu327Lys). This variant is present in population databases (rs398123515, gnomAD 0.006%). This missense change has been observed in individual(s) with biochemical or clinical diagnosis of maple syrup urine disease (PMID: 11825067, 16786533, 26257134). In at least one individual the data is consistent with being in trans (on the opposite chromosome) from a pathogenic variant. ClinVar contains an entry for this variant (Variation ID: 93385). Invitae Evidence Modeling of protein sequence and biophysical properties (such as structural, functional, and spatial information, amino acid conservation, physicochemical variation, residue mobility, and thermodynamic stability) indicates that this missense variant is expected to disrupt BCKDHA protein function with a positive predictive value of 95%. For these reasons, this variant has been classified as Pathogenic.

Natera, Inc.
Classification: Likely pathogenic for Maple syrup urine disease type 1A. Last evaluated: 2025-07-03. Review status: criteria provided, single submitter. Criteria: Natera Variant Classification Schema (03/2026). Collection method: clinical testing. Allele origin: germline.
Comment: The c.979G>A variant in BCKDHA is a missense variant predicted to cause substitution of glutamic acid to lysine at amino acid 327. This variant is rare in the general population with a frequency below the threshold expected for the associated phenotype(s). This variant has been observed in one or more individuals affected with the associated recessive disease, as either homozygous or compound heterozygous with a second variant (PMID: 11825067, 16786533, 31980395). Computational prediction algorithms indicate this variant is likely to affect gene or protein function. Given the available evidence, this variant is classified as Likely Pathogenic.

Baylor Genetics
Classification: Pathogenic for Maple syrup urine disease type 1A. Last evaluated: 2024-03-24. Review status: criteria provided, single submitter. Criteria: ACMG Guidelines, 2015. Collection method: clinical testing. Allele origin: unknown.

Fulgent Genetics
Classification: Pathogenic for Maple syrup urine disease type 1A. Last evaluated: 2024-03-13. Review status: criteria provided, single submitter. Criteria: ACMG Guidelines, 2015. Collection method: clinical testing. Allele origin: germline.

Genome-Nilou Lab
Classification: Pathogenic for Maple syrup urine disease type 1A. Last evaluated: 2021-11-07. Review status: criteria provided, single submitter. Criteria: ACMG Guidelines, 2015. Collection method: clinical testing. Allele origin: germline. Affected: no.

Eurofins Ntd Llc (ga)
Classification: Likely pathogenic. Last evaluated: 2013-09-05. Review status: criteria provided, single submitter. Criteria: EGL Classification Definitions. Collection method: clinical testing. Allele origin: germline. Observed: 5 variant alleles, 5 heterozygotes.

Institute of Medical Genetics and Genomics, Sir Ganga Ram Hospital
Classification: Pathogenic for Maple syrup urine disease type 1A. Last evaluated: 2012-01-01. Review status: criteria provided, single submitter. Criteria: Submitter's publication. Collection method: research. Allele origin: germline. Affected: yes. Observed: 1 variant allele.

Counsyl
Classification: Likely pathogenic for Maple syrup urine disease type 1A. Last evaluated: 2017-02-14. Review status: no assertion criteria provided. Collection method: clinical testing. Allele origin: unknown. Not counted in ClinVar's aggregate classification.

GeneDx
Classification: Uncertain significance. Last evaluated: 2022-11-26. Review status: flagged submission. Criteria: GeneDx Variant Classification Process June 2021. Collection method: clinical testing. Allele origin: germline. Affected: yes. Not counted in ClinVar's aggregate classification.
Comment: In silico analysis, which includes protein predictors and evolutionary conservation, supports a deleterious effect; This variant is associated with the following publications: (PMID: 16786533, 31980395, 11825067, 26257134)
ClinVar note: Reason: Outlier claim with insufficient supporting evidence

Literature cited by the submitters: PubMed 11825067 (cited by 3 submitters); PubMed 16786533 (cited by 4 submitters); PubMed 26257134 (cited by Labcorp Genetics (formerly Invitae), Labcorp and Counsyl); PubMed 31980395 (cited by Natera, Inc.).

NM_000709.4(BCKDHA):c.979G>A (p.Glu327Lys)

Gene: BCKDHA (branched chain keto acid dehydrogenase E1 subunit alpha; plus strand). Cytogenetic location: 19q13.2.
Variant type: single nucleotide variant.
Coding change: c.979G>A on transcript NM_000709.4 (MANE Select); coding-DNA position 979, G replaced by A.
Protein change: p.Glu327Lys; replaces glutamic acid 327 with lysine.
Molecular consequence: missense variant.
Genome position (GRCh38, 1-based): chr19:41,422,754, G>A. VCF-style: chr19-41422754-G-A. GRCh37 (hg19) VCF-style: chr19-41928659-G-A.
Other names: c.976G>A, p.Glu326Lys (NM_001164783.2); short protein forms E327K, E326K.
Identifiers: ClinVar variation 93385 (VCV000093385.23), dbSNP rs398123515, ClinGen allele CA221234.